The following is an entry in ClinVar:

ClinVar aggregate classification (germline): Likely pathogenic. Review status: criteria provided, single submitter (1 of 4 stars). 2 submissions from 2 submitters: Likely pathogenic (1). 1 of the submissions does not count toward it. Last evaluated 2021-10-06.

Conditions:
Microcephaly, normal intelligence and immunodeficiency (NBS). Also called: Microcephaly with normal intelligence immunodeficiency and lymphoreticular malignancies; Nonsyndromal microcephaly autosomal recessive with normal intelligence; Seemanova syndrome 2; SEEMANOVA SYNDROME II; Ataxia telangiectasia variant V1; Immunodeficiency, microcephaly with normal intelligence. Identifiers: Orphanet 647, MedGen C0398791, MONDO:0009623, OMIM 251260.

Submissions (2):

Labcorp Genetics (formerly Invitae), Labcorp
Classification: Likely pathogenic for Microcephaly, normal intelligence and immunodeficiency. Last evaluated: 2021-10-06. Review status: criteria provided, single submitter. Criteria: Invitae Variant Classification Sherloc (09022015). Collection method: clinical testing. Allele origin: germline.
Comment: In summary, the currently available evidence indicates that the variant is pathogenic, but additional data are needed to prove that conclusively. Therefore, this variant has been classified as Likely Pathogenic. Algorithms developed to predict the effect of sequence changes on RNA splicing suggest that this variant may disrupt the consensus splice site. ClinVar contains an entry for this variant (Variation ID: 371357). Disruption of this splice site has been observed in individual(s) with diffuse gastric cancer (PMID: 29706558). This variant is not present in population databases (ExAC no frequency). This sequence change affects a donor splice site in intron 9 of the NBN gene. It is expected to disrupt RNA splicing. Variants that disrupt the donor or acceptor splice site typically lead to a loss of protein function (PMID: 16199547), and loss-of-function variants in NBN are known to be pathogenic (PMID: 9590180, 16415040).

Counsyl
Classification: Likely pathogenic for Microcephaly, normal intelligence and immunodeficiency. Last evaluated: 2016-09-14. Review status: no assertion criteria provided. Collection method: clinical testing. Allele origin: unknown. Not counted in ClinVar's aggregate classification.

Literature cited by the submitters: PubMed 29706558 (cited by Labcorp Genetics (formerly Invitae), Labcorp); PubMed 16199547 (cited by Labcorp Genetics (formerly Invitae), Labcorp); PubMed 9590180 (cited by Labcorp Genetics (formerly Invitae), Labcorp); PubMed 16415040 (cited by Labcorp Genetics (formerly Invitae), Labcorp).

NM_002485.5(NBN):c.1124+1G>A

Gene: NBN (nibrin; minus strand). Cytogenetic location: 8q21.3.
Variant type: single nucleotide variant.
Coding change: c.1124+1G>A on transcript NM_002485.5 (MANE Select); the canonical splice donor site of the intron after coding-DNA position 1124, G replaced by A.
Molecular consequence: splice donor variant.
Genome position (GRCh38, 1-based): chr8:89,958,724, C>T on the plus strand (G>A on the coding strand, the complement: NBN is on the minus strand). VCF-style: chr8-89958724-C-T. GRCh37 (hg19) VCF-style: chr8-90970952-C-T.
Other names: c.878+1G>A (NM_001024688.3).
Identifiers: ClinVar variation 371357 (VCV000371357.11), dbSNP rs1057517209, ClinGen allele CA16041209.
Genomic context (GRCh38, chr8:89,958,724, plus strand): 5'-GAATATACTATTAATTTATTGATAGAATAATAACAATAGTACGGTAATGAAGAAGCTTTA[C>T]CATGTATCTGCTTGCTCTGATTCTGTGTCAGCTACGTATGTTGTAGTGTTCACTGGGGCG-3'